The following is an entry in ClinVar:

ClinVar aggregate classification (germline): Pathogenic. Review status: criteria provided, multiple submitters, no conflicts (2 of 4 stars). 2 submissions from 2 submitters: Pathogenic (2). Last evaluated 2023-05-09.

Conditions:
Familial adenomatous polyposis 1 (FAP1). Also called: POLYPOSIS, ADENOMATOUS INTESTINAL; FAMILIAL ADENOMATOUS POLYPOSIS 1, ATTENUATED. Identifiers: MedGen C2713442, MONDO:0021056, OMIM 175100. Disease mechanism: loss of function.

Submissions (2):

Myriad Genetics, Inc.
Classification: Pathogenic for Familial adenomatous polyposis 1. Last evaluated: 2023-05-09. Review status: criteria provided, single submitter. Criteria: Myriad Autosomal Dominant, Autosomal Recessive and X-Linked Classification Criteria (2023). Collection method: clinical testing. Allele origin: unknown.
Comment: This variant is considered pathogenic. This variant creates a frameshift predicted to result in premature protein truncation.

Labcorp Genetics (formerly Invitae), Labcorp
Classification: Pathogenic for Familial adenomatous polyposis 1. Last evaluated: 2020-03-04. Review status: criteria provided, single submitter. Criteria: Invitae Variant Classification Sherloc (09022015). Collection method: clinical testing. Allele origin: germline.
Comment: For these reasons, this variant has been classified as Pathogenic. A different truncation (p.Tyr2645Lysfs*14) that lies downstream of this variant has been determined to be pathogenic (PMID: 9824584, 1316610, 27081525, 8381579, 22135120, Invitae). This suggests that deletion of this region of the APC protein is causative of disease This variant is expected to disrupt the EB1 and HDLG binding sites, which mediate interactions with the cytoskeleton (PMID: 15311282, 17293347). While functional studies have not been performed to directly test the effect on APC protein function, this suggests that disruption of the C-terminal portion of the protein is functionally important. This variant has been observed in individual(s) with familial adenomatous polyposis (Invitae). This variant is not present in population databases (ExAC no frequency). This sequence change results in a premature translational stop signal in the APC gene (p.Ser1206Lysfs*2). While this is not anticipated to result in nonsense mediated decay, it is expected to disrupt the last 1638 amino acids of the APC protein.

Literature cited by the submitters: PubMed 9824584 (cited by Labcorp Genetics (formerly Invitae), Labcorp); PubMed 1316610 (cited by Labcorp Genetics (formerly Invitae), Labcorp); PubMed 27081525 (cited by Labcorp Genetics (formerly Invitae), Labcorp); PubMed 8381579 (cited by Labcorp Genetics (formerly Invitae), Labcorp); PubMed 22135120 (cited by Labcorp Genetics (formerly Invitae), Labcorp); PubMed 15311282 (cited by Labcorp Genetics (formerly Invitae), Labcorp); PubMed 17293347 (cited by Labcorp Genetics (formerly Invitae), Labcorp).

NM_000038.6(APC):c.3616dup (p.Ser1206fs)

Gene: APC (APC regulator of Wnt signaling pathway; plus strand). Cytogenetic location: 5q22.2.
Variant type: Duplication.
Coding change: c.3616dup on transcript NM_000038.6 (MANE Select); coding-DNA position 3616, one base duplicated (A; older notation c.3616dupA).
Protein change: p.Ser1206fs; shifts the reading frame from serine 1206.
Molecular consequence: frameshift variant.
Genome position (GRCh38, 1-based): chr5:112,839,210, A duplicated. VCF-style (leftmost placement, unchanged base first): chr5-112839209-C-CA. GRCh37 (hg19) VCF-style: chr5-112174906-C-CA.
Other names: c.3616dup, p.Ser1206fs (NM_001127510.3, NM_001354895.2); c.3562dup, p.Ser1188fs (NM_001127511.3); c.3670dup, p.Ser1224fs (NM_001354896.2); c.3646dup, p.Ser1216fs (NM_001354897.2); c.3541dup, p.Ser1181fs (NM_001354898.2); c.3532dup, p.Ser1178fs (NM_001354899.2); c.3493dup, p.Ser1165fs (NM_001354900.2); c.3439dup, p.Ser1147fs (NM_001354901.2); and 5 more; short protein forms S1046fs, S1080fs, S1105fs, S1115fs, S1147fs, S1165fs, S1178fs, S1181fs.
Identifiers: ClinVar variation 1072892 (VCV001072892.11), dbSNP rs2149895625, ClinGen allele CA2499217476.